The following is an entry in ClinVar:

NM_017636.4(TRPM4):c.121C>G (p.Arg41Gly)

Gene: TRPM4 (transient receptor potential cation channel subfamily M member 4; plus strand). Cytogenetic location: 19q13.33.
Variant type: single nucleotide variant.
Coding change: c.121C>G on transcript NM_017636.4 (MANE Select); coding-DNA position 121, C replaced by G.
Protein change: p.Arg41Gly; replaces arginine 41 with glycine.
Molecular consequence: missense variant. On other transcripts: 5 prime UTR variant (1), intron variant (2).
Genome position (GRCh38, 1-based): chr19:49,166,069, C>G. VCF-style: chr19-49166069-C-G. GRCh37 (hg19) VCF-style: chr19-49669326-C-G.
Other names: c.121C>G, p.Arg41Gly (NM_001195227.2, NM_001321281.2); c.-1252C>G (NM_001321282.2); c.-74-2191C>G (NM_001321283.2); c.-237-2484C>G (NM_001321285.2); short protein forms R41G.
Identifiers: ClinVar variation 4821741 (VCV004821741.4).

ClinVar aggregate classification (germline): Uncertain significance (1 of 4 stars; one submission).

gnomAD v4.1: 4 of 1,600,216 alleles (0.00025%); highest among the groups gnomAD compares: Non-Finnish European, 0.00034%; no homozygotes.

Submission:

CeGaT Center for Human Genetics Tuebingen
Classification: Uncertain significance. Last evaluated: 2026-01-01. Review status: criteria provided, single submitter. Criteria: CeGaT Center For Human Genetics Tuebingen Variant Classification Criteria Version 2. Collection method: clinical testing. Allele origin: germline. Affected: yes. Observed: 1 variant allele.
Comment: TRPM4: PM2, BP4